The following is an entry in ClinVar:

ClinVar aggregate classification (germline): Pathogenic. Review status: criteria provided, multiple submitters, no conflicts (2 of 4 stars). 8 submissions from 7 submitters: Pathogenic (5). 3 of the submissions do not count toward it. Last evaluated 2025-02-24.

Conditions:
Charcot-Marie-Tooth disease axonal type 2X. Also called: CHARCOT-MARIE-TOOTH DISEASE, AXONAL, AUTOSOMAL RECESSIVE, TYPE 2X; CHARCOT-MARIE-TOOTH NEUROPATHY, TYPE 2X. Identifiers: Orphanet 466775, MedGen C5569024, MONDO:0014726, OMIM 616668.
Hereditary spastic paraplegia 11. Also called: SPASTIC PARAPLEGIA, AUTOSOMAL RECESSIVE, COMPLICATED, WITH THIN CORPUS CALLOSUM; SPASTIC PARAPLEGIA, AUTOSOMAL RECESSIVE, WITH MENTAL IMPAIRMENT AND THIN CORPUS CALLOSUM; Nakamura Osame syndrome; Autosomal recessive hereditary spastic paraplegia, mental impairment, and thin corpus callosum; Spastic paraplegia, mental retardation and thin corpus callosum; Spastic Paraplegia 11. Identifiers: Orphanet 2822, MedGen C1858479, MONDO:0011445, OMIM 604360.

Submissions (8):

Labcorp Genetics (formerly Invitae), Labcorp
Classification: Pathogenic for Hereditary spastic paraplegia 11. Last evaluated: 2025-02-24. Review status: criteria provided, single submitter. Criteria: Invitae Variant Classification Sherloc (09022015). Collection method: clinical testing. Allele origin: germline.
Comment: This sequence change creates a premature translational stop signal (p.Ile177Serfs*2) in the SPG11 gene. It is expected to result in an absent or disrupted protein product. Loss-of-function variants in SPG11 are known to be pathogenic (PMID: 19105190, 20110243, 22154821, 26556829). This variant is not present in population databases (gnomAD no frequency). This premature translational stop signal has been observed in individual(s) with hereditary spastic paraplegia (PMID: 17322883). ClinVar contains an entry for this variant (Variation ID: 1110). For these reasons, this variant has been classified as Pathogenic.

GeneDx
Classification: Pathogenic. Last evaluated: 2023-06-12. Review status: criteria provided, single submitter. Criteria: GeneDx Variant Classification Process June 2021. Collection method: clinical testing. Allele origin: germline. Affected: yes.
Comment: Frameshift variant predicted to result in protein truncation or nonsense mediated decay in a gene for which loss of function is a known mechanism of disease; Not observed at significant frequency in large population cohorts (gnomAD); This variant is associated with the following publications: (PMID: 19105190, 22696581, 29946510, 26556829, 17322883, 33059505)

Dasa
Classification: Pathogenic for Hereditary spastic paraplegia 11. Last evaluated: 2022-01-05. Review status: criteria provided, single submitter. Criteria: ACMG Guidelines, 2015. Collection method: clinical testing. Allele origin: germline. Affected: yes. Observed: 1 variant allele.
Comment: The c.529_533del;p.(Ile177Serfs*2) is a null frameshift variant (NMD) in the SPG11 gene and predicts alteration of the nonsense-mediate decay - NMD is present in a relevantexon to the transcript -PVS1. This sequence change has been observed in affected individual(s) and ClinVar contains an entry for this variant (ClinVar ID: 1110; OMIM: 610844.0002; PMID: 26556829; 19105190; 17322883) - PS4. The variant is present at low allele frequencies population databases (rs312262716– gnomAD 0.0006568%; ABraOM 0.000427 frequency) - PM2_supporting. The p.(Ile177Serfs*2) was detected in trans with a pathogenic variant (PMID: 26556829; 19105190) - PM3. The variant co-segregated with disease in multiple affected family members (PMID: 26556829; 19105190) - PP1. In summary, the currently available evidence indicates that the variant is pathogenic.

Mendelics
Classification: Pathogenic for Hereditary spastic paraplegia 11. Last evaluated: 2019-05-28. Review status: criteria provided, single submitter. Criteria: Mendelics Assertion Criteria 2017. Collection method: clinical testing. Allele origin: unknown.

Genome-Nilou Lab
Classification: Pathogenic for Hereditary spastic paraplegia 11. Review status: criteria provided, single submitter. Criteria: ACMG Guidelines, 2015. Collection method: clinical testing. Allele origin: germline.

OMIM
Classification: Pathogenic for SPASTIC PARAPLEGIA 11, AUTOSOMAL RECESSIVE. Last evaluated: 2015-11-10. Review status: no assertion criteria provided. Collection method: literature only. Allele origin: germline. Not counted in ClinVar's aggregate classification.

OMIM
Classification: Pathogenic for CHARCOT-MARIE-TOOTH DISEASE, AXONAL, TYPE 2X. Last evaluated: 2015-11-10. Review status: no assertion criteria provided. Collection method: literature only. Allele origin: germline. Not counted in ClinVar's aggregate classification.

GeneReviews
No classification provided. Condition: Hereditary spastic paraplegia 11. Review status: no classification provided. Collection method: literature only. Allele origin: unknown. Not counted in ClinVar's aggregate classification.

Literature cited by the submitters: PubMed 19105190 (cited by 3 submitters); PubMed 20110243 (cited by Labcorp Genetics (formerly Invitae), Labcorp); PubMed 22154821 (cited by Labcorp Genetics (formerly Invitae), Labcorp); PubMed 26556829 (cited by 3 submitters); PubMed 17322883 (cited by 4 submitters); PubMed 20301389 (cited by GeneReviews); NCBI Bookshelf NBK1210 (cited by GeneReviews).

NM_025137.4(SPG11):c.529_533del (p.Ile177fs)

Gene: SPG11 (SPG11 vesicle trafficking associated, spatacsin; minus strand). Cytogenetic location: 15q21.1.
Variant type: Microsatellite.
Coding change: c.529_533del on transcript NM_025137.4 (MANE Select); coding-DNA positions 529 to 533, 5 bases deleted (ATATT; older notation c.529_533delATATT).
Protein change: p.Ile177fs; shifts the reading frame from isoleucine 177.
Molecular consequence: frameshift variant.
Genome position (GRCh38, 1-based): chr15:44,659,213-44,659,217, AATAT deleted on the plus strand (ATATT on the coding strand, the reverse complement: SPG11 is on the minus strand); deleting any 5 consecutive bases within chr15:44,659,213-44,659,222 gives the same sequence; the c. name uses the placement nearest the transcript's 3' end. VCF-style (leftmost placement, unchanged base first): chr15-44659212-AAATAT-A. GRCh37 (hg19) VCF-style: chr15-44951410-AAATAT-A.
Other names: c.529_533del (NM_025137.3); c.529_533del, p.Ile177fs (NM_001160227.2); short protein forms I177fs.
Identifiers: ClinVar variation 1110 (VCV000001110.14), dbSNP rs312262716, ClinGen allele CA249692.